The following is an entry in ClinVar:

NM_001035.3(RYR2):c.14063C>T (p.Pro4688Leu)

Gene: RYR2 (ryanodine receptor 2; plus strand). Cytogenetic location: 1q43.
Variant type: single nucleotide variant.
Coding change: c.14063C>T on transcript NM_001035.3 (MANE Select); coding-DNA position 14063, C replaced by T.
Protein change: p.Pro4688Leu; replaces proline 4688 with leucine.
Molecular consequence: missense variant.
Genome position (GRCh38, 1-based): chr1:237,798,143, C>T. VCF-style: chr1-237798143-C-T. GRCh37 (hg19) VCF-style: chr1-237961443-C-T.
Other names: short protein forms P4688L.
Identifiers: ClinVar variation 4800129 (VCV004800129.1).

ClinVar aggregate classification (germline): Uncertain significance (1 of 4 stars; one submission).

Conditions:
Catecholaminergic polymorphic ventricular tachycardia 1. Also called: VENTRICULAR TACHYCARDIA, STRESS-INDUCED POLYMORPHIC 1; RYR2-Related Catecholaminergic Polymorphic Ventricular Tachycardia; VENTRICULAR TACHYCARDIA, CATECHOLAMINERGIC POLYMORPHIC, 1, WITH OR WITHOUT ATRIAL DYSFUNCTION AND/OR DILATED CARDIOMYOPATHY. Identifiers: Orphanet 3286, MedGen C1631597, MONDO:0011484, OMIM 604772.

Submission:

Labcorp Genetics (formerly Invitae), Labcorp
Classification: Uncertain significance for Catecholaminergic polymorphic ventricular tachycardia 1. Last evaluated: 2025-04-01. Review status: criteria provided, single submitter. Criteria: Invitae Variant Classification Sherloc (09022015). Collection method: clinical testing. Allele origin: germline.
Comment: This sequence change replaces proline, which is neutral and non-polar, with leucine, which is neutral and non-polar, at codon 4688 of the RYR2 protein (p.Pro4688Leu). This variant is not present in population databases (gnomAD no frequency). This variant has not been reported in the literature in individuals affected with RYR2-related conditions. Invitae Evidence Modeling of protein sequence and biophysical properties (such as structural, functional, and spatial information, amino acid conservation, physicochemical variation, residue mobility, and thermodynamic stability) indicates that this missense variant is not expected to disrupt RYR2 protein function with a negative predictive value of 95%. In summary, the available evidence is currently insufficient to determine the role of this variant in disease. Therefore, it has been classified as a Variant of Uncertain Significance.